The following is an entry in ClinVar:

NM_005245.4(FAT1):c.2798G>A (p.Arg933His)

Gene: FAT1 (FAT atypical cadherin 1; minus strand). Cytogenetic location: 4q35.2.
Variant type: single nucleotide variant.
Coding change: c.2798G>A on transcript NM_005245.4 (MANE Select); coding-DNA position 2798, G replaced by A.
Protein change: p.Arg933His; replaces arginine 933 with histidine.
Molecular consequence: missense variant.
Genome position (GRCh38, 1-based): chr4:186,707,030, C>T on the plus strand (G>A on the coding strand, the complement: FAT1 is on the minus strand). VCF-style: chr4-186707030-C-T. GRCh37 (hg19) VCF-style: chr4-187628184-C-T.
Other names: c.2798G>A (NM_005245.3); short protein forms R933H.
Identifiers: ClinVar variation 1661037 (VCV001661037.12), dbSNP rs61733570, ClinGen allele CA3167174.

ClinVar aggregate classification (germline): Benign/Likely benign. Review status: criteria provided, multiple submitters, no conflicts (2 of 4 stars). 3 submissions from 3 submitters: Benign (1); Likely benign (2). Last evaluated 2026-01-19.

Conditions:
FAT1-related disorder. Also called: FAT1-related condition.

Allele frequency attached by ClinVar (database versions not stated): ESP Exome Variant Server 0.00066; 1000 Genomes Project 30x 0.00078; 1000 Genomes Project 0.00080.
gnomAD v4.1: 360 of 1,613,892 alleles (0.022%); highest among the groups gnomAD compares: African/African-American, 0.2%; 1 homozygote.

Submissions (3):

PreventionGenetics, part of Exact Sciences
Classification: Likely benign for FAT1-related condition. Last evaluated: 2026-01-19. Review status: criteria provided, single submitter. Criteria: ACMG Guidelines, 2015. Collection method: clinical testing. Allele origin: germline.
Comment: This variant is classified as likely benign based on ACMG/AMP sequence variant interpretation guidelines (Richards et al. 2015 PMID: 25741868, with internal and published modifications).

Labcorp Genetics (formerly Invitae), Labcorp
Classification: Benign. Last evaluated: 2025-09-29. Review status: criteria provided, single submitter. Criteria: Invitae Variant Classification Sherloc (09022015). Collection method: clinical testing. Allele origin: germline.

Blueprint Genetics
Classification: Likely benign. Last evaluated: 2022-06-30. Review status: criteria provided, single submitter. Criteria: ACMG Guidelines, 2015. Collection method: clinical testing. Allele origin: germline.